The following is an entry in ClinVar:

ClinVar aggregate classification (germline): Uncertain significance (1 of 4 stars; one submission).

Conditions:
Cardiovascular phenotype. Identifiers: MedGen CN230736.

Submission:

Ambry Genetics
Classification: Uncertain significance for Cardiovascular phenotype. Last evaluated: 2026-06-27. Review status: criteria provided, single submitter. Criteria: Ambry Variant Classification Scheme 2023. Collection method: clinical testing. Allele origin: germline.
Comment: The p.S1330F variant (also known as c.3989C>T), located in coding exon 22 of the SCN10A gene, results from a C to T substitution at nucleotide position 3989. The serine at codon 1330 is replaced by phenylalanine, an amino acid with highly dissimilar properties. This amino acid position is conserved. In addition, the in silico prediction for this alteration is inconclusive. Based on the available evidence, the clinical significance of this variant remains unclear.

NM_006514.4(SCN10A):c.3989C>T (p.Ser1330Phe)

Gene: SCN10A (sodium voltage-gated channel alpha subunit 10; minus strand). Cytogenetic location: 3p22.2.
Variant type: single nucleotide variant.
Coding change: c.3989C>T on transcript NM_006514.4 (MANE Select); coding-DNA position 3989, C replaced by T.
Protein change: p.Ser1330Phe; replaces serine 1330 with phenylalanine.
Molecular consequence: missense variant.
Genome position (GRCh38, 1-based): chr3:38,712,261, G>A on the plus strand (C>T on the coding strand, the complement: SCN10A is on the minus strand). VCF-style: chr3-38712261-G-A. GRCh37 (hg19) VCF-style: chr3-38753752-G-A.
Other names: c.3986C>T, p.Ser1329Phe (NM_001293306.2); c.3695C>T, p.Ser1232Phe (NM_001293307.2); short protein forms S1329F, S1232F, S1330F.
Identifiers: ClinVar variation 5029077 (VCV005029077.1).